The following is an entry in ClinVar:

ClinVar aggregate classification (germline): Uncertain significance (1 of 4 stars; one submission).

Submission:

Labcorp Genetics (formerly Invitae), Labcorp
Classification: Uncertain significance. Last evaluated: 2022-07-17. Review status: criteria provided, single submitter. Criteria: Invitae Variant Classification Sherloc (09022015). Collection method: clinical testing. Allele origin: germline.
Comment: This sequence change replaces valine, which is neutral and non-polar, with methionine, which is neutral and non-polar, at codon 3622 of the ZNF469 protein (p.Val3622Met). This variant is not present in population databases (gnomAD no frequency). This variant has not been reported in the literature in individuals affected with ZNF469-related conditions. Algorithms developed to predict the effect of missense changes on protein structure and function are either unavailable or do not agree on the potential impact of this missense change (SIFT: "Deleterious"; PolyPhen-2: "Possibly Damaging"; Align-GVGD: "Class C0"). In summary, the available evidence is currently insufficient to determine the role of this variant in disease. Therefore, it has been classified as a Variant of Uncertain Significance.

NM_001367624.2(ZNF469):c.10948G>A (p.Val3650Met)

Gene: ZNF469 (zinc finger protein 469; plus strand). Cytogenetic location: 16q24.2.
Variant type: single nucleotide variant.
Coding change: c.10948G>A on transcript NM_001367624.2 (MANE Select); coding-DNA position 10948, G replaced by A.
Protein change: p.Val3650Met; replaces valine 3650 with methionine.
Molecular consequence: missense variant.
Genome position (GRCh38, 1-based): chr16:88,438,418, G>A. VCF-style: chr16-88438418-G-A. GRCh37 (hg19) VCF-style: chr16-88504826-G-A.
Other names: short protein forms V3650M.
Identifiers: ClinVar variation 1716851 (VCV001716851.3), dbSNP rs767637123, ClinGen allele CA397128626.